The following is an entry in ClinVar:

NM_006912.6(RIT1):c.229G>C (p.Ala77Pro)

Gene: RIT1 (Ras like without CAAX 1; minus strand). Cytogenetic location: 1q22.
Variant type: single nucleotide variant.
Coding change: c.229G>C on transcript NM_006912.6 (MANE Select); coding-DNA position 229, G replaced by C.
Protein change: p.Ala77Pro; replaces alanine 77 with proline.
Molecular consequence: missense variant.
Genome position (GRCh38, 1-based): chr1:155,904,739, C>G on the plus strand (G>C on the coding strand, the complement: RIT1 is on the minus strand). VCF-style: chr1-155904739-C-G. GRCh37 (hg19) VCF-style: chr1-155874530-C-G.
Other names: c.121G>C, p.Ala41Pro (NM_001256820.2); c.280G>C, p.Ala94Pro (NM_001256821.2); short protein forms A77P, A94P, A41P.
Identifiers: ClinVar variation 228289 (VCV000228289.30), dbSNP rs869025191, ClinGen allele CA10576360.

ClinVar aggregate classification (germline): Pathogenic/Likely pathogenic. Review status: criteria provided, multiple submitters, no conflicts (2 of 4 stars). 8 submissions from 8 submitters: Pathogenic (3); Likely pathogenic (5). Last evaluated 2025-04-15.
ClinVar aggregate classification (somatic clinical impact): Tier II - Potential (1 of 4 stars; one submission).

Conditions:
RIT1-related disorder. Also called: RIT1-related condition.
Noonan syndrome 8 (NS8). Identifiers: Orphanet 648, MedGen C3809233, MONDO:0014143, OMIM 615355.
Noonan syndrome (NS). Also called: Noonan's syndrome. Identifiers: Orphanet 648, MedGen C0028326, MeSH D009634, MONDO:0018997. Disease mechanism: gain of function.
Sarcoma. Identifiers: MedGen C1261473, MONDO:0005089, HP:0100242.

gnomAD v4.1: 1 of 1,609,954 alleles (0.000062%); no homozygotes.

Submissions (9):

Variantyx, Inc.
Classification: Pathogenic for Noonan syndrome 8. Last evaluated: 2025-04-15. Review status: criteria provided, single submitter. Criteria: Variantyx Assertion Criteria 2022. Collection method: clinical testing. Allele origin: de novo. Inheritance: Autosomal dominant inheritance. Affected: yes.
Comment: This is a nonsynonymous variant in the RIT1 gene (OMIM: 609591). Pathogenic variants in this gene have been associated with autosomal dominant Noonan syndrome 8. It has been reported in affected individuals (PMID: 25049390) (PS4_Moderate) and alternate amino acid changes at this position (p.Ala77Ser and p.Ala77Thr) have been previously reported in similarly affected individuals, which suggests that this residue is biologically important (PMID: 26714497, 27101134) (PM5). Moreover, multiple computational algorithms predict a deleterious effect for this variant (REVEL score: 0.979) (PP3), and this variant is absent from control populations (PM2). Based on the current evidence, this variant is classified as pathogenic for autosomal dominant Noonan syndrome 8.

CeGaT Center for Human Genetics Tuebingen
Classification: Likely pathogenic. Last evaluated: 2024-12-01. Review status: criteria provided, single submitter. Criteria: CeGaT Center For Human Genetics Tuebingen Variant Classification Criteria Version 2. Collection method: clinical testing. Allele origin: germline. Affected: yes. Observed: 1 variant allele.
Comment: RIT1: PM1, PM2, PM5, PP3, PS3:Supporting, PS4:Supporting

Institute for Genomic Medicine (IGM) Clinical Laboratory, Nationwide Children's Hospital
Classification: Tier II - Potential for Sarcoma. Assertion type: diagnostic. Clinical significance: supports diagnosis. Last evaluated: 2024-11-29. Review status: criteria provided, single submitter. Criteria: AMP/ASCO/CAP Guidelines, 2017. Collection method: clinical testing. Allele origin: somatic. Affected: yes.
Comment: Variant has Tier II (potential) clinical significance as a diagnostic inclusion criterion in sarcoma, based on the following evidence: 1) Documented in one or more cancer databases (e.g., St. Jude Pecan, COSMIC, CIViC, OncoKB). 2) Information in the literature supports potential biologic effect of variant (PMIDs: 25049390, 24469055, 30872527). 3) Assists in diagnosis alone or along with other biomarkers based on small studies or few case reports (Evidence Level D; PMIDs: 24469055, 32766847, 23765226).

Genome-Nilou Lab
Classification: Likely pathogenic for Noonan syndrome 8. Last evaluated: 2023-04-11. Review status: criteria provided, single submitter. Criteria: ACMG Guidelines, 2015. Collection method: clinical testing. Allele origin: germline. Affected: no.

GeneDx
Classification: Pathogenic. Last evaluated: 2023-01-21. Review status: criteria provided, single submitter. Criteria: GeneDx Variant Classification Process June 2021. Collection method: clinical testing. Allele origin: germline. Affected: yes.
Comment: Published previously in association with Noonan syndrome (Chen et al., 2014; Cav et al., 2016); Published functional studies demonstrate a damaging effect through increased RAS-ERK pathway activation (Chen et al., 2014); In silico analysis supports that this missense variant has a deleterious effect on protein structure/function; Not observed at significant frequency in large population cohorts (gnomAD); This variant is associated with the following publications: (PMID: 26757980, 27226556, 26446362, 24803665, 25959749, 27101134, 30904604, 25049390)

Blueprint Genetics
Classification: Likely pathogenic for RIT1-related disorders. Last evaluated: 2022-11-28. Review status: criteria provided, single submitter. Criteria: ACMG Guidelines, 2015. Collection method: clinical testing. Allele origin: germline. Affected: yes. Observed: 2 variant alleles.

Fulgent Genetics
Classification: Likely pathogenic for Noonan syndrome 8. Last evaluated: 2021-11-05. Review status: criteria provided, single submitter. Criteria: ACMG Guidelines, 2015. Collection method: clinical testing. Allele origin: unknown.

Labcorp Genetics (formerly Invitae), Labcorp
Classification: Pathogenic for Noonan syndrome 8. Last evaluated: 2021-07-08. Review status: criteria provided, single submitter. Criteria: Invitae Variant Classification Sherloc (09022015). Collection method: clinical testing. Allele origin: germline.
Comment: This sequence change replaces alanine with proline at codon 77 of the RIT1 protein (p.Ala77Pro). The alanine residue is highly conserved and there is a small physicochemical difference between alanine and proline. This variant is not present in population databases (ExAC no frequency). This variant has been reported in an individual with Noonan syndrome (PMID: 25049390). ClinVar contains an entry for this variant (Variation ID: 228289). Experimental studies have shown that cells expressing this variant demonstrate enhanced p-ERK levels compared with wildtype (PMID: 25049390). Variants that disrupt the p.Ala77 amino acid residue in RIT1 have been observed in affected individuals (PMID: 26714497, 2657980, 27101134). This suggests that it is a clinically significant residue, and that other variants that disrupt this residue are likely to be causative of disease. For these reasons, this variant has been classified as Pathogenic.

Laboratory for Molecular Medicine, Mass General Brigham Personalized Medicine
Classification: Likely pathogenic for Noonan syndrome. Last evaluated: 2016-02-03. Review status: criteria provided, single submitter. Criteria: LMM Criteria. Collection method: clinical testing. Allele origin: germline. Inheritance: Autosomal dominant inheritance. Observed: 1 variant allele.
Comment: The p.Ala94Pro variant in RIT1 (reported as p.Ala77Pro on NM_006912.5) has been identified in 1 individual with Noonan syndrome (Chen 2014). It was absent from large population studies. In vitro functional studies suggest that this variant promotes ERK activation (Chen 2014); however, these assays may not accurately re present biological function. In addition, another variant at the same position ( p.Ala77Thr) has been reported in 2 individuals with Noonan syndrome, occurring d e novo in one family and segregating with the disease in 1 affected family membe r in the other family (Cave 2016). Computational prediction tools and conservati on analysis suggest that the p.Ala94Pro variant may impact the protein, though t his information is not predictive enough to determine pathogenicity. In summary, although additional studies are required to fully establish its clinical signif icance, the p.Ala94Pro variant is likely pathogenic.

Literature cited by the submitters: PubMed 25049390 (cited by 4 submitters); PubMed 26714497 (cited by Variantyx, Inc. and Labcorp Genetics (formerly Invitae), Labcorp); PubMed 27101134 (cited by Variantyx, Inc. and Labcorp Genetics (formerly Invitae), Labcorp); PubMed 24469055 (cited by Institute for Genomic Medicine (IGM) Clinical Laboratory, Nationwide Children's Hospital); PubMed 30872527 (cited by Institute for Genomic Medicine (IGM) Clinical Laboratory, Nationwide Children's Hospital); PubMed 32766847 (cited by Institute for Genomic Medicine (IGM) Clinical Laboratory, Nationwide Children's Hospital); PubMed 23765226 (cited by Institute for Genomic Medicine (IGM) Clinical Laboratory, Nationwide Children's Hospital); PubMed 2657980 (cited by Labcorp Genetics (formerly Invitae), Labcorp); PubMed 24803665 (cited by Laboratory for Molecular Medicine, Mass General Brigham Personalized Medicine); PubMed 26757980 (cited by Laboratory for Molecular Medicine, Mass General Brigham Personalized Medicine).